The following is an entry in ClinVar:

ClinVar aggregate classification (germline): Uncertain significance (1 of 4 stars; one submission).

Allele frequency attached by ClinVar (database versions not stated): ExAC 0.00002; gnomAD 0.00006; ESP Exome Variant Server 0.00008.
gnomAD v4.1: 104 of 1,613,980 alleles (0.0064%); highest among the groups gnomAD compares: Non-Finnish European, 0.0083%; no homozygotes.

Submission:

GeneDx
Classification: Uncertain significance. Last evaluated: 2022-07-27. Review status: criteria provided, single submitter. Criteria: GeneDx Variant Classification Process June 2021. Collection method: clinical testing. Allele origin: germline. Affected: yes.
Comment: In silico analysis supports that this missense variant has a deleterious effect on protein structure/function; Has not been previously published as pathogenic or benign to our knowledge

NM_003285.3(TNR):c.1801C>G (p.Arg601Gly)

Gene: TNR (tenascin R; minus strand). Cytogenetic location: 1q25.1.
Variant type: single nucleotide variant.
Coding change: c.1801C>G on transcript NM_003285.3 (MANE Select); coding-DNA position 1801, C replaced by G.
Protein change: p.Arg601Gly; replaces arginine 601 with glycine.
Molecular consequence: missense variant.
Genome position (GRCh38, 1-based): chr1:175,379,714, G>C on the plus strand (C>G on the coding strand, the complement: TNR is on the minus strand). VCF-style: chr1-175379714-G-C. GRCh37 (hg19) VCF-style: chr1-175348850-G-C.
Other names: c.802C>G, p.Arg268Gly (NM_001328635.2); short protein forms R268G, R601G.
Identifiers: ClinVar variation 2413000 (VCV002413000.3), dbSNP rs372205222, ClinGen allele CA1255813.